The following is an entry in ClinVar:

ClinVar aggregate classification (germline): Conflicting classifications of pathogenicity. Review status: criteria provided, conflicting classifications (1 of 4 stars). 2 submissions from 2 submitters: Pathogenic (1); Uncertain significance (1). Last evaluated 2017-07-13.

Conditions:
Microcephalic osteodysplastic primordial dwarfism type II (MOPD2). Also called: MOPD II; OSTEODYSPLASTIC PRIMORDIAL DWARFISM, TYPE II; Microcephalic osteodysplastic primordial dwarfism with tooth abnormalities. Identifiers: Orphanet 2637, MedGen C0432246, MONDO:0008872, OMIM 210720.

Submissions (2):

Genetic Services Laboratory, University of Chicago
Classification: Pathogenic. Last evaluated: 2017-07-13. Review status: criteria provided, single submitter. Criteria: ACMG Guidelines, 2015. Collection method: clinical testing. Allele origin: germline. Affected: yes.

Juno Genomics, Hangzhou Juno Genomics, Inc
Classification: Uncertain significance for Microcephalic osteodysplastic primordial dwarfism type II. Review status: criteria provided, single submitter. Criteria: ACMG Guidelines, 2015. Collection method: clinical testing. Allele origin: germline.
Comment: Null variant in a gene where loss of function (LOF) is a known mechanism of disease.;Absent from controls (or at extremely low frequency if recessive) in Genome Aggregation Database.

NM_006031.6(PCNT):c.4004-2A>G

Gene: PCNT (pericentrin; plus strand). Cytogenetic location: 21q22.3.
Variant type: single nucleotide variant.
Coding change: c.4004-2A>G on transcript NM_006031.6 (MANE Select); the canonical splice acceptor site of the intron before coding-DNA position 4004, A replaced by G.
Molecular consequence: splice acceptor variant.
Genome position (GRCh38, 1-based): chr21:46,391,162, A>G. VCF-style: chr21-46391162-A-G. GRCh37 (hg19) VCF-style: chr21-47811077-A-G.
Other names: c.3650-2A>G (NM_001315529.2).
Identifiers: ClinVar variation 1338242 (VCV001338242.6), dbSNP rs2147305680, ClinGen allele CA410576605.